The following is an entry in ClinVar:

ClinVar aggregate classification (germline): Uncertain significance. Review status: criteria provided, multiple submitters, no conflicts (2 of 4 stars). 6 submissions from 6 submitters: Uncertain significance (5). 1 of the submissions does not count toward it. Last evaluated 2023-05-11.

Conditions:
Hereditary cancer-predisposing syndrome. Also called: Hereditary Cancer Syndrome; Hereditary neoplastic syndrome; Neoplastic Syndromes, Hereditary; Tumor predisposition. Identifiers: Orphanet 140162, MedGen C0027672, MeSH D009386, MONDO:0015356.
Breast-ovarian cancer, familial, susceptibility to, 1 (BROVCA1). Also called: BRCA1 Hereditary Breast and Ovarian Cancer; OVARIAN CANCER, SUSCEPTIBILITY TO. Identifiers: Orphanet 145, MedGen C2676676, MONDO:0011450, OMIM 604370. Disease mechanism: loss of function.
Fanconi anemia, complementation group S (FANCS). Identifiers: MedGen C4554406, MONDO:0054748, OMIM 617883.
Hereditary breast ovarian cancer syndrome. Also called: BRCA1- and BRCA2-Associated Hereditary Breast and Ovarian Cancer; Hereditary breast and ovarian cancer syndrome; Hereditary breast and ovarian cancer syndrome (HBOC); Breast and ovarian cancer; Hereditary breast and/or ovarian cancer syndrome; Hereditary breast and ovarian cancer. Identifiers: Orphanet 145, MedGen C0677776, MeSH D061325, MONDO:0003582. Disease mechanism: loss of function.

Submissions (7):

Labcorp Genetics (formerly Invitae), Labcorp
Classification: Uncertain significance for Hereditary breast ovarian cancer syndrome. Last evaluated: 2023-05-11. Review status: criteria provided, single submitter. Criteria: Invitae Variant Classification Sherloc (09022015). Collection method: clinical testing. Allele origin: germline.
Comment: Advanced modeling performed at Invitae incorporating data from internal and/or published experimental studies (PMID: 30209399) indicates that this missense variant is not expected to disrupt BRCA1 function. This sequence change replaces aspartic acid, which is acidic and polar, with asparagine, which is neutral and polar, at codon 1733 of the BRCA1 protein (p.Asp1733Asn). This variant is not present in population databases (gnomAD no frequency). This variant has not been reported in the literature in individuals affected with BRCA1-related conditions. ClinVar contains an entry for this variant (Variation ID: 91643). In summary, the available evidence is currently insufficient to determine the role of this variant in disease. Therefore, it has been classified as a Variant of Uncertain Significance.

Women's Health and Genetics/Laboratory Corporation of America, LabCorp
Classification: Uncertain significance. Last evaluated: 2023-03-30. Review status: criteria provided, single submitter. Criteria: LabCorp Variant Classification Summary - May 2015. Collection method: clinical testing. Allele origin: germline.
Comment: Variant summary: BRCA1 c.5197G>A (p.Asp1733Asn) results in a conservative amino acid change located in the BRCT domain (IPR001357) of the encoded protein sequence. Three of five in-silico tools predict a benign effect of the variant on protein function. The variant was absent in 251488 control chromosomes (gnomAD). The available data on variant occurrences in the general population are insufficient to allow any conclusion about variant significance. c.5197G>A has been reported in the literature in an ovarian endometrioid carcinoma sample (Gaia-Oltean_2021). This report does not provide unequivocal conclusions about association of the variant with Hereditary Breast And Ovarian Cancer Syndrome. Findlay et al (2018) employed a cell-survival assay in a population of edited haploid HAP1 cells as a measure of functional HDR pathway, and determined the variant to be functional. Two clinical diagnostic laboratories have submitted clinical-significance assessments for this variant to ClinVar after 2014 and classified the variant as uncertain significance. Based on the evidence outlined above, the variant was classified as uncertain significance.

Department of Pathology and Laboratory Medicine, Sinai Health System
Classification: Uncertain significance for Fanconi anemia, complementation group S. Last evaluated: 2021-10-12. Review status: criteria provided, single submitter. Criteria: ACMG Guidelines, 2015. Collection method: clinical testing. Allele origin: germline. Affected: no.

Color Diagnostics, LLC DBA Color Health
Classification: Uncertain significance for Hereditary cancer-predisposing syndrome. Last evaluated: 2019-11-25. Review status: criteria provided, single submitter. Criteria: ACMG Guidelines, 2015. Collection method: clinical testing. Allele origin: germline.
Comment: This missense variant replaces aspartic acid with asparagine at codon 1733 of the BRCA1 protein. Computational prediction suggests that this variant may not impact protein structure and function (internally defined REVEL score threshold <= 0.5, PMID: 27666373). Splice site prediction tools suggest that this variant may not impact RNA splicing. A functional study reported this variant to be functional in a haploid cell proliferation assay (PMID: 30209399). This variant has not been reported in individuals affected with hereditary cancer in the literature. This variant has not been identified in the general population by the Genome Aggregation Database (gnomAD). The available evidence is insufficient to determine the role of this variant in disease conclusively. Therefore, this variant is classified as a Variant of Uncertain Significance.

Ambry Genetics
Classification: Uncertain significance for Hereditary cancer-predisposing syndrome. Last evaluated: 2019-11-14. Review status: criteria provided, single submitter. Criteria: Ambry Variant Classification Scheme 2023. Collection method: clinical testing. Allele origin: germline.
Comment: The p.D1733N variant (also known as c.5197G>A), located in coding exon 18 of the BRCA1 gene, results from a G to A substitution at nucleotide position 5197. The aspartic acid at codon 1733 is replaced by asparagine, an amino acid with highly similar properties. One functional study found that this nucleotide substitution is benign in a high throughput genome editing haploid cell survival assay (Findlay GM et al. Nature, 2018 10;562:217-222). This amino acid position is not well conserved in available vertebrate species. In addition, the in silico prediction for this alteration is inconclusive. Since supporting evidence is limited at this time, the clinical significance of this alteration remains unclear.

Sharing Clinical Reports Project (SCRP)
Classification: Uncertain significance for Breast-ovarian cancer, familial 1. Last evaluated: 2012-01-23. Review status: no assertion criteria provided. Collection method: clinical testing. Allele origin: germline. Not counted in ClinVar's aggregate classification.

Brotman Baty Institute, University of Washington
No classification provided (evidence only). Condition: Breast-ovarian cancer, familial 1. Review status: no classification provided. Collection method: in vitro. Allele origin: not applicable. Functional consequence: functionally_normal. Not counted in ClinVar's aggregate classification.
ClinVar note: "not provided" was previously submitted as the classification for the variant. However, the classification appeared to be based only on an observation of functional data so it was converted to no classification on 2025-07-30.

Literature cited by the submitters: PubMed 30209399 (cited by 3 submitters); PubMed 33948387 (cited by Women's Health and Genetics/Laboratory Corporation of America, LabCorp).

NM_007294.4(BRCA1):c.5197G>A (p.Asp1733Asn)

Gene: BRCA1 (BRCA1 DNA repair associated; minus strand). Cytogenetic location: 17q21.31.
Variant type: single nucleotide variant.
Coding change: c.5197G>A on transcript NM_007294.4 (MANE Select); coding-DNA position 5197, G replaced by A.
Protein change: p.Asp1733Asn; replaces aspartic acid 1733 with asparagine.
Molecular consequence: missense variant. On other transcripts: non-coding transcript variant (1).
Genome position (GRCh38, 1-based): chr17:43,057,132, C>T on the plus strand (G>A on the coding strand, the complement: BRCA1 is on the minus strand). VCF-style: chr17-43057132-C-T. GRCh37 (hg19) VCF-style: chr17-41209149-C-T.
Other names: 5316G>A; c.4984G>A, p.Asp1662Asn (NM_001407571.1, NM_001407899.1, NM_001407900.1 and 12 more transcripts); c.5263G>A, p.Asp1755Asn (NM_001407581.1, NM_001407582.1); c.5260G>A, p.Asp1754Asn (NM_001407583.1, NM_001407585.1, NM_001407587.1 and 1 more transcripts); c.5257G>A, p.Asp1753Asn (NM_001407590.1, NM_001407591.1); c.5197G>A, p.Asp1733Asn (NM_001407593.1, NM_001407594.1, NM_001407596.1 and 7 more transcripts); c.5194G>A, p.Asp1732Asn (NM_001407610.1, NM_001407611.1, NM_001407612.1 and 17 more transcripts); c.5191G>A, p.Asp1731Asn (NM_001407628.1, NM_001407629.1, NM_001407630.1 and 14 more transcripts); and 73 more; short protein forms D1733N, D1754N, D1686N, D629N, D1436N, D1605N, D1621N, D1644N.
Identifiers: ClinVar variation 91643 (VCV000091643.17), dbSNP rs398122693, ClinGen allele CA003348.